The following is an entry in ClinVar:

ClinVar aggregate classification (germline): Uncertain significance (1 of 4 stars; one submission).

Conditions:
Diffuse cerebral and cerebellar atrophy - intractable seizures - progressive microcephaly syndrome. Also called: Microcephaly, progressive, with seizures and cerebral and cerebellar atrophy. Identifiers: Orphanet 404437, MedGen C4014239, MONDO:0014335, OMIM 615760.

Submission:

Labcorp Genetics (formerly Invitae), Labcorp
Classification: Uncertain significance for Diffuse cerebral and cerebellar atrophy - intractable seizures - progressive microcephaly syndrome. Last evaluated: 2020-11-13. Review status: criteria provided, single submitter. Criteria: Invitae Variant Classification Sherloc (09022015). Collection method: clinical testing. Allele origin: germline.
Comment: This sequence change replaces histidine with leucine at codon 280 of the QARS protein (p.His280Leu). The histidine residue is highly conserved and there is a moderate physicochemical difference between histidine and leucine. This variant is not present in population databases (ExAC no frequency). This variant has not been reported in the literature in individuals with QARS-related conditions. Algorithms developed to predict the effect of missense changes on protein structure and function (SIFT, PolyPhen-2, Align-GVGD) all suggest that this variant is likely to be disruptive, but these predictions have not been confirmed by published functional studies and their clinical significance is uncertain. In summary, the available evidence is currently insufficient to determine the role of this variant in disease. Therefore, it has been classified as a Variant of Uncertain Significance.

NM_005051.3(QARS1):c.839A>T (p.His280Leu)

Gene: QARS1 (glutaminyl-tRNA synthetase 1; minus strand). Cytogenetic location: 3p21.31.
Variant type: single nucleotide variant.
Coding change: c.839A>T on transcript NM_005051.3 (MANE Select); coding-DNA position 839, A replaced by T.
Protein change: p.His280Leu; replaces histidine 280 with leucine.
Molecular consequence: missense variant. On other transcripts: non-coding transcript variant (1).
Genome position (GRCh38, 1-based): chr3:49,101,392, T>A on the plus strand (A>T on the coding strand, the complement: QARS1 is on the minus strand). VCF-style: chr3-49101392-T-A. GRCh37 (hg19) VCF-style: chr3-49138825-T-A.
Other names: c.806A>T, p.His269Leu (NM_001272073.2); short protein forms H269L, H280L.
Identifiers: ClinVar variation 1346664 (VCV001346664.8), dbSNP rs2107106158, ClinGen allele CA352714087.